The following is an entry in ClinVar:

NM_015650.4(IFT54):c.594CAAGGA[3] (p.198DK[3])

Gene: IFT54 (intraflagellar transport 54; plus strand). Cytogenetic location: 2q37.3.
Variant type: Microsatellite.
Coding change: c.594CAAGGA[3] on transcript NM_015650.4 (MANE Select); three copies in a row of the 6-base unit CAAGGA starting at c.594; the reference has two copies in a row; one copy, 6 bases duplicated.
Protein change: p.198DK[3].
Molecular consequence: inframe insertion.
Genome position (GRCh38, 1-based): chr2:238,329,027-238,329,032, CAAGGA duplicated; duplicating any 6 consecutive bases within chr2:238,329,016-238,329,032 gives the same sequence; the position shown is the placement nearest the transcript's 3' end. VCF-style (leftmost placement, unchanged base first): chr2-238329015-A-AAAGGAC. GRCh37 (hg19) VCF-style: chr2-239237656-A-AAAGGAC.
Other names: c.594CAAGGA[3], p.198DK[3] (NM_001139490.1).
Identifiers: ClinVar variation 1505602 (VCV001505602.7), dbSNP rs568994925, ClinGen allele CA2198103.

ClinVar aggregate classification (germline): Uncertain significance. Review status: criteria provided, multiple submitters, no conflicts (2 of 4 stars). 2 submissions from 2 submitters: Uncertain significance (2). Last evaluated 2022-12-30.

Submissions (2):

Labcorp Genetics (formerly Invitae), Labcorp
Classification: Uncertain significance. Last evaluated: 2022-12-30. Review status: criteria provided, single submitter. Criteria: Invitae Variant Classification Sherloc (09022015). Collection method: clinical testing. Allele origin: germline.
Comment: In summary, the available evidence is currently insufficient to determine the role of this variant in disease. Therefore, it has been classified as a Variant of Uncertain Significance. Experimental studies and prediction algorithms are not available or were not evaluated, and the functional significance of this variant is currently unknown. This variant has not been reported in the literature in individuals affected with TRAF3IP1-related conditions. This variant is present in population databases (rs568994925, gnomAD 0.01%). This variant, c.600_605dup, results in the insertion of 2 amino acid(s) of the TRAF3IP1 protein (p.Asp200_Lys201dup), but otherwise preserves the integrity of the reading frame.

Blueprint Genetics
Classification: Uncertain significance. Last evaluated: 2021-12-15. Review status: criteria provided, single submitter. Criteria: ACMG Guidelines, 2015. Collection method: clinical testing. Allele origin: germline.